The following is an entry in ClinVar:

ClinVar aggregate classification (germline): Conflicting classifications of pathogenicity. Review status: criteria provided, conflicting classifications (1 of 4 stars). 13 submissions from 13 submitters: Uncertain significance (10); Likely benign (1). 2 of the submissions do not count toward it. Last evaluated 2025-09-17.

Conditions:
BRCA2-related cancer predisposition. Identifiers: MedGen CN377758, MONDO:0700269.
Breast and/or ovarian cancer. Identifiers: MedGen CN221562.
Hereditary cancer-predisposing syndrome. Also called: Neoplastic Syndromes, Hereditary; Hereditary neoplastic syndrome; Hereditary Cancer Syndrome; Tumor predisposition. Identifiers: Orphanet 140162, MedGen C0027672, MeSH D009386, MONDO:0015356.
Familial cancer of breast. Also called: hereditary breast carcinoma; BREAST CANCER, FAMILIAL; Hereditary breast cancer. Identifiers: Orphanet 227535, MedGen C0346153, MONDO:0016419, OMIM 114480. Disease mechanism: loss of function.
Breast-ovarian cancer, familial, susceptibility to, 2 (BROVCA2). Also called: BRCA2 Hereditary Breast and Ovarian Cancer. Identifiers: Orphanet 145, MedGen C2675520, MONDO:0012933, OMIM 612555. Disease mechanism: loss of function.
Fanconi anemia complementation group D1. Also called: BRCA2-Related Fanconi Anemia. Identifiers: Orphanet 319462, MedGen C1838457, MONDO:0011584, OMIM 605724.
Medulloblastoma (MDB). Also called: Medulloblastoma, somatic; MEDULLOBLASTOMA PREDISPOSITION SYNDROME. Identifiers: Orphanet 616, MedGen C0025149, MeSH D008527, MONDO:0007959, OMIM 155255, HP:0002885.
Prostate cancer. Also called: Malignant tumor of prostate. Identifiers: Orphanet 1331, MedGen C0376358, MONDO:0008315, HP:0012125.
Wilms tumor 1 (WT1). Also called: Wilms tumor, somatic. Identifiers: Orphanet 654, MedGen CN033288, MONDO:0008679, OMIM 194070.
Pancreatic cancer, susceptibility to, 2. Identifiers: Orphanet 1333, MedGen C3150546, MONDO:0013235, OMIM 613347.
Glioma susceptibility 3 (GLM3). Also called: Glioblastoma 3. Identifiers: Orphanet 182067, Orphanet 360, MedGen C2751641, MONDO:0013093, OMIM 613029.
Hereditary breast ovarian cancer syndrome. Also called: BRCA1- and BRCA2-Associated Hereditary Breast and Ovarian Cancer; Hereditary breast and ovarian cancer syndrome; Hereditary breast and ovarian cancer syndrome (HBOC); Hereditary breast and ovarian cancer; Breast and ovarian cancer; Hereditary breast and/or ovarian cancer syndrome. Identifiers: Orphanet 145, MedGen C0677776, MeSH D061325, MONDO:0003582. Disease mechanism: loss of function.

gnomAD v4.1: 6 of 1,613,670 alleles (0.00037%); highest among the groups gnomAD compares: Middle Eastern, 0.033%; no homozygotes.

Submissions (13):

Quest Diagnostics Nichols Institute San Juan Capistrano
Classification: Uncertain significance. Last evaluated: 2025-09-17. Review status: criteria provided, single submitter. Criteria: Quest Diagnostics criteria. Collection method: clinical testing. Allele origin: unknown.
Comment: The BRCA2 c.7992T>G (p.Ile2664Met) variant has been reported in the published literature in individuals with breast and/or ovarian cancer (PMID: 33471991 (2021), 27882536 (2016), 20960228 (2011)). This variant has also been identified in reportedly healthy individuals (PMID: 35534704 (2022), 33471991 (2021)). The frequency of this variant in the general population (Genome Aggregation Database) is uninformative in the assessment of its pathogenicity. Analysis of this variant using bioinformatics tools for the prediction of the effect of amino acid changes on protein structure and function yielded conflicting predictions that this variant is benign or damaging. Based on the available information, we are unable to determine the clinical significance of this variant.

Labcorp Genetics (formerly Invitae), Labcorp
Classification: Uncertain significance for Hereditary breast ovarian cancer syndrome. Last evaluated: 2025-08-31. Review status: criteria provided, single submitter. Criteria: Invitae Variant Classification Sherloc (09022015). Collection method: clinical testing. Allele origin: germline.
Comment: This sequence change replaces isoleucine, which is neutral and non-polar, with methionine, which is neutral and non-polar, at codon 2664 of the BRCA2 protein (p.Ile2664Met). This variant is present in population databases (rs80359800, gnomAD no frequency). This missense change has been observed in individual(s) with hereditary breast and/or ovarian cancer (PMID: 20960228, 27882536). ClinVar contains an entry for this variant (Variation ID: 182247). Invitae Evidence Modeling of protein sequence and biophysical properties (such as structural, functional, and spatial information, amino acid conservation, physicochemical variation, residue mobility, and thermodynamic stability) indicates that this missense variant is not expected to disrupt BRCA2 protein function with a negative predictive value of 95%. In summary, the available evidence is currently insufficient to determine the role of this variant in disease. Therefore, it has been classified as a Variant of Uncertain Significance.

Dasa
Classification: Uncertain significance for Breast-ovarian cancer, familial, susceptibility to, 2. Last evaluated: 2025-04-30. Review status: criteria provided, single submitter. Criteria: DASA Assertion Criteria. Collection method: clinical testing. Allele origin: germline.
Comment: NM_000059.4(BRCA2):c.7992T>G (p.Ile2664Met) is a missense variant that results in the substitution of isoleucine with methionine. This variant is rare in population databases. The currently available literature and clinical evidence are not sufficient to establish a definitive association between this variant and the reported condition. Therefore, this variant is classified as a variant of uncertain significance.

GeneDx
Classification: Uncertain significance. Last evaluated: 2024-07-30. Review status: criteria provided, single submitter. Criteria: GeneDx Variant Classification Process June 2021. Collection method: clinical testing. Allele origin: germline. Affected: yes.
Comment: Observed in individuals with personal or family history of breast, ovarian, and/or colorectal cancer (PMID: 20960228, 27882536, 33471991, 35402282, 35534704); In silico analysis indicates that this missense variant does not alter protein structure/function; Not observed at significant frequency in large population cohorts (gnomAD); Also known as 8220T>G; This variant is associated with the following publications: (PMID: 20960228, 27882536, 31131967, 33471991, 35402282, 32377563, 29884841, 12228710, 35534704)

All of Us Research Program, National Institutes of Health
Classification: Uncertain significance for BRCA2-related cancer predisposition. Last evaluated: 2024-03-05. Review status: criteria provided, single submitter. Criteria: ACMG Guidelines, 2015. Collection method: clinical testing. Allele origin: germline. Inheritance: Autosomal dominant inheritance. Observed: 2 variant alleles, 2 heterozygotes.
Comment: This missense variant replaces isoleucine with methionine at codon 2664 of the BRCA2 protein. Computational prediction is inconclusive regarding the impact of this variant on protein structure and function (internally defined REVEL score threshold 0.5 < inconclusive < 0.7, PMID: 27666373). To our knowledge, functional studies have not been reported for this variant. This variant has been reported in individuals affected with breast, ovarian, or pancreatic cancer (PMID: 20960228, 27882536). In a large breast cancer case-control study conducted by the BRIDGES consortium, this variant was reported in 2/60466 cases and 4/53461 unaffected controls (PMID: 33471991; Leiden Open Variation Database DB-ID BRCA2_008636). This variant has been identified in 1/250460 chromosomes in the general population by the Genome Aggregation Database (gnomAD). The available evidence is insufficient to determine the role of this variant in disease conclusively. Therefore, this variant is classified as a Variant of Uncertain Significance.

This study involves interpretation of variants in research participants for the purpose of population health screening. Participant phenotype was not available at the time of variant classification. Additional details can be found in publication PMID: 35346344, PMCID: PMC8962531

Color Diagnostics, LLC DBA Color Health
Classification: Uncertain significance for Hereditary cancer-predisposing syndrome. Last evaluated: 2023-08-15. Review status: criteria provided, single submitter. Criteria: ACMG Guidelines, 2015. Collection method: clinical testing. Allele origin: germline.
Comment: This missense variant replaces isoleucine with methionine at codon 2664 of the BRCA2 protein. Computational prediction is inconclusive regarding the impact of this variant on protein structure and function (internally defined REVEL score threshold 0.5 < inconclusive < 0.7, PMID: 27666373). To our knowledge, functional studies have not been reported for this variant. This variant has been reported in individuals affected with breast, ovarian, or pancreatic cancer (PMID: 20960228, 27882536). In a large breast cancer case-control study conducted by the BRIDGES consortium, this variant was reported in 2/60466 cases and 4/53461 unaffected controls (PMID: 33471991; Leiden Open Variation Database DB-ID BRCA2_008636). This variant has been identified in 1/250460 chromosomes in the general population by the Genome Aggregation Database (gnomAD). The available evidence is insufficient to determine the role of this variant in disease conclusively. Therefore, this variant is classified as a Variant of Uncertain Significance.

Ambry Genetics
Classification: Likely benign for Hereditary cancer-predisposing syndrome. Last evaluated: 2022-01-05. Review status: criteria provided, single submitter. Criteria: Ambry Variant Classification Scheme 2023. Collection method: clinical testing. Allele origin: germline.

CHEO Genetics Diagnostic Laboratory, Children's Hospital of Eastern Ontario
Classification: Uncertain significance for Breast and/or ovarian cancer. Last evaluated: 2021-09-20. Review status: criteria provided, single submitter. Criteria: ACMG Guidelines, 2015. Collection method: clinical testing. Allele origin: germline.

Mendelics
Classification: Uncertain significance for Breast-ovarian cancer, familial, susceptibility to, 2. Last evaluated: 2019-05-28. Review status: criteria provided, single submitter. Criteria: Mendelics Assertion Criteria 2017. Collection method: clinical testing. Allele origin: unknown.

Fulgent Genetics
Classification: Uncertain significance for Familial cancer of breast; Medulloblastoma; Familial prostate cancer; Wilms tumor 1; Fanconi anemia complementation group D1; Breast-ovarian cancer, familial, susceptibility to, 2; Glioma susceptibility 3; Pancreatic cancer, susceptibility to, 2. Last evaluated: 2018-10-31. Review status: criteria provided, single submitter. Criteria: ACMG Guidelines, 2015. Collection method: clinical testing. Allele origin: unknown.

PreventionGenetics, part of Exact Sciences
Classification: Uncertain significance. Last evaluated: 2018-01-04. Review status: criteria provided, single submitter. Criteria: ACMG Guidelines, 2015. Collection method: clinical testing. Allele origin: germline.

BRCAlab, Lund University
Classification: Uncertain significance for Breast-ovarian cancer, familial, susceptibility to, 2. Last evaluated: 2020-03-02. Review status: no assertion criteria provided. Collection method: clinical testing. Allele origin: germline. Affected: yes. Not counted in ClinVar's aggregate classification.

Counsyl
Classification: Uncertain significance for Breast-ovarian cancer, familial, susceptibility to, 2. Last evaluated: 2016-06-04. Review status: no assertion criteria provided. Collection method: clinical testing. Allele origin: unknown. Not counted in ClinVar's aggregate classification.

Literature cited by the submitters: PubMed 20960228 (cited by 6 submitters); PubMed 35534704 (cited by Quest Diagnostics Nichols Institute San Juan Capistrano); PubMed 27882536 (cited by 4 submitters); PubMed 33471991 (cited by 4 submitters).

NM_000059.4(BRCA2):c.7992T>G (p.Ile2664Met)

Gene: BRCA2 (BRCA2 DNA repair associated; plus strand). Cytogenetic location: 13q13.1.
Variant type: single nucleotide variant.
Coding change: c.7992T>G on transcript NM_000059.4 (MANE Select); coding-DNA position 7992, T replaced by G.
Protein change: p.Ile2664Met; replaces isoleucine 2664 with methionine.
Molecular consequence: missense variant.
Genome position (GRCh38, 1-based): chr13:32,363,194, T>G. VCF-style: chr13-32363194-T-G. GRCh37 (hg19) VCF-style: chr13-32937331-T-G.
Other names: p.I2664M:ATT>ATG; short protein forms I2664M.
Identifiers: ClinVar variation 182247 (VCV000182247.33), dbSNP rs80359800, ClinGen allele CA025389.